The following is an entry in ClinVar:

ClinVar aggregate classification (germline): Uncertain significance. Review status: criteria provided, multiple submitters, no conflicts (2 of 4 stars). 2 submissions from 2 submitters: Uncertain significance (2). Last evaluated 2025-12-16.

Conditions:
Atrial fibrillation, familial, 18 (ATFB18). Identifiers: MedGen C4310636, MONDO:0015001, OMIM 617280.

Allele frequency attached by ClinVar (database versions not stated): TOPMed 0.00002; gnomAD exomes 0.00013; ExAC 0.00016; 1000 Genomes Project 0.00080; 1000 Genomes Project 30x 0.00094.
gnomAD v4.1: 140 of 1,614,030 alleles (0.0087%); highest among the groups gnomAD compares: South Asian, 0.14%; 3 homozygotes.

Submissions (2):

Labcorp Genetics (formerly Invitae), Labcorp
Classification: Uncertain significance for Atrial fibrillation, familial, 18. Last evaluated: 2025-12-16. Review status: criteria provided, single submitter. Criteria: Invitae Variant Classification Sherloc (09022015). Collection method: clinical testing. Allele origin: germline.
Comment: This sequence change replaces proline, which is neutral and non-polar, with arginine, which is basic and polar, at codon 118 of the MYL4 protein (p.Pro118Arg). This variant is present in population databases (rs537576399, gnomAD 0.1%). This variant has not been reported in the literature in individuals affected with MYL4-related conditions. ClinVar contains an entry for this variant (Variation ID: 1021850). An algorithm developed to predict the effect of missense changes on protein structure and function (PolyPhen-2) suggests that this variant is likely to be disruptive. In summary, the available evidence is currently insufficient to determine the role of this variant in disease. Therefore, it has been classified as a Variant of Uncertain Significance.

Ambry Genetics
Classification: Uncertain significance. Last evaluated: 2025-08-07. Review status: criteria provided, single submitter. Criteria: Ambry Variant Classification Scheme 2023. Collection method: clinical testing. Allele origin: germline.

NM_002476.2(MYL4):c.353C>G (p.Pro118Arg)

Gene: MYL4 (myosin light chain 4; plus strand). Cytogenetic location: 17q21.32.
Variant type: single nucleotide variant.
Coding change: c.353C>G on transcript NM_002476.2 (MANE Select); coding-DNA position 353, C replaced by G.
Protein change: p.Pro118Arg; replaces proline 118 with arginine.
Molecular consequence: missense variant.
Genome position (GRCh38, 1-based): chr17:47,221,721, C>G. VCF-style: chr17-47221721-C-G. GRCh37 (hg19) VCF-style: chr17-45299087-C-G.
Other names: c.353C>G (NM_001002841.1); c.353C>G, p.Pro118Arg (NM_001002841.2); short protein forms P118R.
Identifiers: ClinVar variation 1021850 (VCV001021850.8), dbSNP rs537576399, ClinGen allele CA8622726.